The following is an entry in ClinVar:

NM_000465.4(BARD1):c.514del (p.Asp172fs)

Gene: BARD1 (BRCA1 associated RING domain 1; minus strand). Cytogenetic location: 2q35.
Variant type: Deletion.
Coding change: c.514del on transcript NM_000465.4 (MANE Select); coding-DNA position 514, one base deleted (G; older notation c.514delG).
Protein change: p.Asp172fs; shifts the reading frame from aspartic acid 172.
Molecular consequence: frameshift variant. On other transcripts: non-coding transcript variant (2), intron variant (3).
Genome position (GRCh38, 1-based): chr2:214,781,360, C deleted on the plus strand (G on the coding strand, the reverse complement: BARD1 is on the minus strand). VCF-style (leftmost placement, unchanged base first): chr2-214781359-TC-T. GRCh37 (hg19) VCF-style: chr2-215646083-TC-T.
Other names: c.457del, p.Asp153fs (NM_001282543.2); c.158+28052del (NM_001282548.2); c.215+15701del (NM_001282545.2); c.364+10937del (NM_001282549.2); short protein forms D153fs, D172fs.
Identifiers: ClinVar variation 4732511 (VCV004732511.1).

ClinVar aggregate classification (germline): Pathogenic (1 of 4 stars; one submission).

Conditions:
Familial cancer of breast. Also called: hereditary breast carcinoma; BREAST CANCER, FAMILIAL; Hereditary breast cancer. Identifiers: Orphanet 227535, MedGen C0346153, MONDO:0016419, OMIM 114480. Disease mechanism: loss of function.

Submission:

Labcorp Genetics (formerly Invitae), Labcorp
Classification: Pathogenic for Familial cancer of breast. Last evaluated: 2025-12-03. Review status: criteria provided, single submitter. Criteria: Invitae Variant Classification Sherloc (09022015). Collection method: clinical testing. Allele origin: germline.
Comment: This sequence change creates a premature translational stop signal (p.Asp172Metfs*40) in the BARD1 gene. It is expected to result in an absent or disrupted protein product. Loss-of-function variants in BARD1 are known to be pathogenic (PMID: 20077502, 21344236). This variant is not present in population databases (gnomAD no frequency). This premature translational stop signal has been observed in individual(s) with breast cancer (PMID: 31036035). For these reasons, this variant has been classified as Pathogenic.

Literature cited by the submitters: PubMed 20077502; PubMed 21344236; PubMed 31036035.